The following is an entry in ClinVar:

ClinVar aggregate classification (germline): Uncertain significance (1 of 4 stars; one submission).

Allele frequency attached by ClinVar (database versions not stated): gnomAD 0.00001; gnomAD exomes below 0.00001; TOPMed below 0.00001.
gnomAD v4.1: 3 of 1,612,970 alleles (0.00019%); highest among the groups gnomAD compares: Non-Finnish European, 0.00025%; no homozygotes.

Submission:

Labcorp Genetics (formerly Invitae), Labcorp
Classification: Uncertain significance. Last evaluated: 2022-11-08. Review status: criteria provided, single submitter. Criteria: Invitae Variant Classification Sherloc (09022015). Collection method: clinical testing. Allele origin: germline.
Comment: Advanced modeling of protein sequence and biophysical properties (such as structural, functional, and spatial information, amino acid conservation, physicochemical variation, residue mobility, and thermodynamic stability) performed at Invitae indicates that this missense variant is not expected to disrupt COL11A2 protein function. This variant has not been reported in the literature in individuals affected with COL11A2-related conditions. This variant is not present in population databases (gnomAD no frequency). This sequence change replaces proline, which is neutral and non-polar, with serine, which is neutral and polar, at codon 41 of the COL11A2 protein (p.Pro41Ser). In summary, the available evidence is currently insufficient to determine the role of this variant in disease. Therefore, it has been classified as a Variant of Uncertain Significance.

NM_080680.3(COL11A2):c.121C>T (p.Pro41Ser)

Gene: COL11A2 (collagen type XI alpha 2 chain; minus strand). Cytogenetic location: 6p21.32.
Variant type: single nucleotide variant.
Coding change: c.121C>T on transcript NM_080680.3 (MANE Select); coding-DNA position 121, C replaced by T.
Protein change: p.Pro41Ser; replaces proline 41 with serine.
Molecular consequence: missense variant.
Genome position (GRCh38, 1-based): chr6:33,189,431, G>A on the plus strand (C>T on the coding strand, the complement: COL11A2 is on the minus strand). VCF-style: chr6-33189431-G-A. GRCh37 (hg19) VCF-style: chr6-33157208-G-A.
Other names: c.121C>T, p.Pro41Ser (NM_001163771.2, NM_080679.3, NM_080681.3); short protein forms P41S.
Identifiers: ClinVar variation 2038693 (VCV002038693.4), dbSNP rs1234849793, ClinGen allele CA363613399.